The following is an entry in ClinVar:

ClinVar aggregate classification (germline): Uncertain significance (1 of 4 stars; one submission).

Conditions:
COG5-congenital disorder of glycosylation. Also called: COG5-CDG; CDG IIi; CONGENITAL DISORDER OF GLYCOSYLATION, TYPE IIi. Identifiers: Orphanet 263487, MedGen C3150876, MONDO:0013325, OMIM 613612.

Submission:

Labcorp Genetics (formerly Invitae), Labcorp
Classification: Uncertain significance for COG5-congenital disorder of glycosylation. Last evaluated: 2024-04-30. Review status: criteria provided, single submitter. Criteria: Invitae Variant Classification Sherloc (09022015). Collection method: clinical testing. Allele origin: germline.
Comment: This sequence change replaces methionine, which is neutral and non-polar, with lysine, which is basic and polar, at codon 620 of the COG5 protein (p.Met620Lys). This variant is not present in population databases (gnomAD no frequency). This variant has not been reported in the literature in individuals affected with COG5-related conditions. ClinVar contains an entry for this variant (Variation ID: 1015947). Advanced modeling of protein sequence and biophysical properties (such as structural, functional, and spatial information, amino acid conservation, physicochemical variation, residue mobility, and thermodynamic stability) has been performed at Invitae for this missense variant, however the output from this modeling did not meet the statistical confidence thresholds required to predict the impact of this variant on COG5 protein function. In summary, the available evidence is currently insufficient to determine the role of this variant in disease. Therefore, it has been classified as a Variant of Uncertain Significance.

NM_006348.5(COG5):c.1766T>A (p.Met589Lys)

Gene: COG5 (component of oligomeric golgi complex 5; minus strand). Cytogenetic location: 7q22.3.
Variant type: single nucleotide variant.
Coding change: c.1766T>A on transcript NM_006348.5 (MANE Select); coding-DNA position 1766, T replaced by A.
Protein change: p.Met589Lys; replaces methionine 589 with lysine.
Molecular consequence: missense variant.
Genome position (GRCh38, 1-based): chr7:107,248,483, A>T on the plus strand (T>A on the coding strand, the complement: COG5 is on the minus strand). VCF-style: chr7-107248483-A-T. GRCh37 (hg19) VCF-style: chr7-106888928-A-T.
Other names: c.1766T>A, p.Met589Lys (NM_001161520.2, NM_001379513.1, NM_001379514.1); c.1604T>A, p.Met535Lys (NM_001379511.1); c.1592T>A, p.Met531Lys (NM_001379512.1); c.1196T>A, p.Met399Lys (NM_001379515.1); c.1052T>A, p.Met351Lys (NM_001379516.1); c.1703T>A, p.Met568Lys (NM_181733.4); short protein forms M351K, M399K, M531K, M535K, M568K, M589K.
Identifiers: ClinVar variation 1015947 (VCV001015947.8), dbSNP rs777200785, ClinGen allele CA368940478.
Genomic context (GRCh38, chr7:107,248,483, plus strand): 5'-ATGATTATGGCCTCTATAGCATCTCCCACAGAAGTGAGTAAGGGTTGCACAGCATTTTCC[A>T]TAAGAGCATGAATAGCCTAAAAAAAAAAAAGAAAGAAAAAAAAGAAGAGGCAAGATTAAA-3'
Protein context (NP_006339.4, residues 579-599): ISALKAIHAL[Met589Lys]ENAVQPLLTS